The following is an entry in ClinVar:

ClinVar aggregate classification (germline): Uncertain significance. Review status: criteria provided, multiple submitters, no conflicts (2 of 4 stars). 2 submissions from 2 submitters: Uncertain significance (2). Last evaluated 2025-04-30.

Conditions:
Inborn genetic diseases. Identifiers: MedGen C0950123, MeSH D030342.
Ellis-van Creveld syndrome (EVC). Also called: EVC-Related Ellis-van Creveld Syndrome; EVC2-Related Ellis-van Creveld Syndrome; Chondroectodermal dysplasia; MESOECTODERMAL DYSPLASIA. Identifiers: Orphanet 289, MedGen C0013903, MONDO:0009162, OMIM 225500.
Curry-Hall syndrome (WAD). Also called: WEYERS ACRODENTAL DYSOSTOSIS. Identifiers: Orphanet 952, MedGen C0457013, MONDO:0008673, OMIM 193530.

Allele frequency attached by ClinVar (database versions not stated): gnomAD 0.00001; gnomAD exomes 0.00001; TOPMed 0.00001; ESP Exome Variant Server 0.00008.
gnomAD v4.1: 6 of 1,612,518 alleles (0.00037%); highest among the groups gnomAD compares: Non-Finnish European, 0.00042%; no homozygotes.

Submissions (2):

Ambry Genetics
Classification: Uncertain significance for Inborn genetic diseases. Last evaluated: 2025-04-30. Review status: criteria provided, single submitter. Criteria: Ambry Variant Classification Scheme 2023. Collection method: clinical testing. Allele origin: germline.

Labcorp Genetics (formerly Invitae), Labcorp
Classification: Uncertain significance for Curry-Hall syndrome; Ellis-van Creveld syndrome. Last evaluated: 2021-08-30. Review status: criteria provided, single submitter. Criteria: Invitae Variant Classification Sherloc (09022015). Collection method: clinical testing. Allele origin: germline.
Comment: This sequence change replaces glutamic acid with glycine at codon 507 of the EVC protein (p.Glu507Gly). The glutamic acid residue is moderately conserved and there is a moderate physicochemical difference between glutamic acid and glycine. This variant is not present in population databases (ExAC no frequency). This variant has not been reported in the literature in individuals affected with EVC-related conditions. Algorithms developed to predict the effect of missense changes on protein structure and function are either unavailable or do not agree on the potential impact of this missense change (SIFT: "Deleterious"; PolyPhen-2: "Possibly Damaging"; Align-GVGD: "Class C0"). In summary, the available evidence is currently insufficient to determine the role of this variant in disease. Therefore, it has been classified as a Variant of Uncertain Significance.

NM_153717.3(EVC):c.1520A>G (p.Glu507Gly)

Gene: EVC (EvC ciliary complex subunit 1; plus strand). Cytogenetic location: 4p16.2.
Variant type: single nucleotide variant.
Coding change: c.1520A>G on transcript NM_153717.3 (MANE Select); coding-DNA position 1520, A replaced by G.
Protein change: p.Glu507Gly; replaces glutamic acid 507 with glycine.
Molecular consequence: missense variant.
Genome position (GRCh38, 1-based): chr4:5,756,319, A>G. VCF-style: chr4-5756319-A-G. GRCh37 (hg19) VCF-style: chr4-5758046-A-G.
Other names: c.1520A>G (NM_153717.2); c.1520A>G, p.Glu507Gly (NM_001306090.2, NM_001306092.2); short protein forms E507G.
Identifiers: ClinVar variation 2195764 (VCV002195764.2), dbSNP rs202068809, ClinGen allele CA91745913.
Genomic context (GRCh38, chr4:5,756,319, plus strand): 5'-CACAGGCTTTTCATGAGGTCCTGGAGAGGCAGAGGCTGATGCAGTGTGACCTGGAGGAAG[A>G]GGAGAATGTCAGAGCCACCGAGGCTGTGGTTGCACTCTGCCAGGTACATGGCCTCTGTGG-3'
Protein context (NP_714928.1, residues 497-517): QRLMQCDLEE[Glu507Gly]ENVRATEAVV